The following is an entry in ClinVar:

NM_020987.5(ANK3):c.104G>A (p.Arg35Gln)

Gene: ANK3 (ankyrin 3; minus strand). Cytogenetic location: 10q21.2.
Variant type: single nucleotide variant.
Coding change: c.104G>A on transcript NM_020987.5 (MANE Select); coding-DNA position 104, G replaced by A.
Protein change: p.Arg35Gln; replaces arginine 35 with glutamine.
Molecular consequence: missense variant. On other transcripts: intron variant (2).
Genome position (GRCh38, 1-based): chr10:60,389,435, C>T on the plus strand (G>A on the coding strand, the complement: ANK3 is on the minus strand). VCF-style: chr10-60389435-C-T. GRCh37 (hg19) VCF-style: chr10-62149193-C-T.
Other names: c.104G>A, p.Arg35Gln (NM_001320874.2); c.97-109796G>A (NM_001204403.2); c.64-109796G>A (NM_001204404.2); short protein forms R35Q.
Identifiers: ClinVar variation 225078 (VCV000225078.8), dbSNP rs746466187, ClinGen allele CA357990.

ClinVar aggregate classification (germline): Uncertain significance. Review status: criteria provided, multiple submitters, no conflicts (2 of 4 stars). 2 submissions from 2 submitters: Uncertain significance (2). Last evaluated 2022-08-09.

Conditions:
Inborn genetic diseases. Identifiers: MedGen C0950123, MeSH D030342.

Allele frequency attached by ClinVar (database versions not stated): ExAC 0.00001; gnomAD exomes 0.00002 and 0.00007; gnomAD 0.00006; TOPMed 0.00006.
gnomAD v4.1: 117 of 1,613,454 alleles (0.0073%); highest among the groups gnomAD compares: Middle Eastern, 0.049%; no homozygotes.

Submissions (2):

Labcorp Genetics (formerly Invitae), Labcorp
Classification: Uncertain significance. Last evaluated: 2022-08-09. Review status: criteria provided, single submitter. Criteria: Invitae Variant Classification Sherloc (09022015). Collection method: clinical testing. Allele origin: germline.
Comment: Algorithms developed to predict the effect of missense changes on protein structure and function are either unavailable or do not agree on the potential impact of this missense change (SIFT: "Not Available"; PolyPhen-2: "Possibly Damaging"; Align-GVGD: "Not Available"). This sequence change replaces arginine, which is basic and polar, with glutamine, which is neutral and polar, at codon 35 of the ANK3 protein (p.Arg35Gln). This variant is present in population databases (rs746466187, gnomAD 0.005%). This variant has not been reported in the literature in individuals affected with ANK3-related conditions. ClinVar contains an entry for this variant (Variation ID: 225078). In summary, the available evidence is currently insufficient to determine the role of this variant in disease. Therefore, it has been classified as a Variant of Uncertain Significance.

Ambry Genetics
Classification: Uncertain significance for Inborn genetic diseases. Last evaluated: 2013-10-01. Review status: criteria provided, single submitter. Criteria: Ambry Autosomal Dominant and X-Linked criteria (10/2015). Collection method: clinical testing. Allele origin: germline. Observed: 1 variant allele.
Comment: There is insufficient or conflicting evidence for classification of this alteration.